The following is an entry in ClinVar:

ClinVar aggregate classification (germline): Pathogenic/Likely pathogenic. Review status: criteria provided, multiple submitters, no conflicts (2 of 4 stars). 2 submissions from 2 submitters: Pathogenic (1); Likely pathogenic (1). Last evaluated 2022-06-13.

Conditions:
Pitt-Hopkins-like syndrome 2 (PTHSL2). Identifiers: Orphanet 221150, Orphanet 600663, MedGen C3280479, MONDO:0013690, OMIM 614325.

Submissions (2):

Labcorp Genetics (formerly Invitae), Labcorp
Classification: Pathogenic for Pitt-Hopkins-like syndrome 2. Last evaluated: 2022-06-13. Review status: criteria provided, single submitter. Criteria: Invitae Variant Classification Sherloc (09022015). Collection method: clinical testing. Allele origin: germline.
Comment: This variant has not been reported in the literature in individuals affected with NRXN1-related conditions. This variant is not present in population databases (gnomAD no frequency). This sequence change creates a premature translational stop signal (p.Cys281Leufs*2) in the NRXN1 gene. It is expected to result in an absent or disrupted protein product. Loss-of-function variants in NRXN1 are known to be pathogenic (PMID: 19896112, 21964664, 23495017, 23533028, 25149956, 30031152). ClinVar contains an entry for this variant (Variation ID: 817417). For these reasons, this variant has been classified as Pathogenic.

GeneDx
Classification: Likely pathogenic. Last evaluated: 2019-01-22. Review status: criteria provided, single submitter. Criteria: GeneDx Variant Classification (06012015). Collection method: clinical testing. Allele origin: germline. Affected: yes.
Comment: The c.842delG variant has not been published as a pathogenic variant, nor has it been reported as a benign variant to our knowledge. The c.842delG variant causes a frameshift starting with codon Cysteine 281, changes this amino acid to a Leucine residue and creates a premature Stop codon at position 2 of the new reading frame, denoted p.Cys281LeufsX2. This variant is predicted to cause loss of normal protein function either through protein truncation or nonsense-mediated mRNA decay. Furthermore, the c.842delG variant is not observed in large population cohorts (Lek et al., 2016). Therefore, this variant is likely pathogenic; however, the possibility that it is benign cannot be excluded.

Literature cited by the submitters: PubMed 19896112 (cited by Labcorp Genetics (formerly Invitae), Labcorp); PubMed 21964664 (cited by Labcorp Genetics (formerly Invitae), Labcorp); PubMed 23495017 (cited by Labcorp Genetics (formerly Invitae), Labcorp); PubMed 23533028 (cited by Labcorp Genetics (formerly Invitae), Labcorp); PubMed 25149956 (cited by Labcorp Genetics (formerly Invitae), Labcorp); PubMed 30031152 (cited by Labcorp Genetics (formerly Invitae), Labcorp).

NM_001330078.2(NRXN1):c.772+1102del

Gene: NRXN1 (neurexin 1; minus strand). Cytogenetic location: 2p16.3.
Variant type: Deletion.
Coding change: c.772+1102del on transcript NM_001330078.2 (MANE Select); 1102 bases into the intron after coding-DNA position 772, one base deleted (G; older notation c.772+1102delG).
Molecular consequence: intron variant. On other transcripts: frameshift variant (1).
Genome position (GRCh38, 1-based): chr2:51,026,400, C deleted on the plus strand (G on the coding strand, the reverse complement: NRXN1 is on the minus strand). VCF-style (leftmost placement, unchanged base first): chr2-51026399-AC-A. GRCh37 (hg19) VCF-style: chr2-51253537-AC-A.
Other names: c.772+1102del (NM_001330081.2, NM_001330089.2, NM_001330077.2 and 14 more transcripts); c.842del, p.Cys281fs (NM_001135659.3); short protein forms C281fs.
Identifiers: ClinVar variation 817417 (VCV000817417.6), dbSNP rs1575270894, ClinGen allele CA915943904.